The following is an entry in ClinVar:

ClinVar aggregate classification (germline): Likely benign. Review status: criteria provided, single submitter (1 of 4 stars). 2 submissions from 2 submitters: Likely benign (1). 1 of the submissions does not count toward it. Last evaluated 2023-01-01.

Conditions:
Tramadol response. Also called: Ultram response. Identifiers: MedGen CN078023.

Allele frequency attached by ClinVar (database versions not stated): 1000 Genomes Project 30x 0.00109; 1000 Genomes Project 0.00120; TOPMed 0.00392; ExAC 0.00533; gnomAD 0.00553 and 0.00573; gnomAD exomes 0.00563 and 0.00679; ESP Exome Variant Server 0.00574.
gnomAD v4.1: 10,756 of 1,614,054 alleles (0.67%); highest among the groups gnomAD compares: Non-Finnish European, 0.73%; 47 homozygotes.

Submissions (2):

CeGaT Center for Human Genetics Tuebingen
Classification: Likely benign. Last evaluated: 2023-01-01. Review status: criteria provided, single submitter. Criteria: CeGaT Center For Human Genetics Tuebingen Variant Classification Criteria Version 2. Collection method: clinical testing. Allele origin: germline. Affected: yes. Observed: 2 variant alleles.
Comment: OPRM1: BS2

Bruce Budowle Laboratory, University of North Texas Health Science Center
Classification: drug response for Tramadol response. Last evaluated: 2018-04-28. Review status: no assertion criteria provided. Collection method: research. Allele origin: somatic. Affected: yes. Observed: 190 variant alleles. Not counted in ClinVar's aggregate classification.

NM_000914.5(OPRM1):c.575G>T (p.Cys192Phe)

Gene: OPRM1 (opioid receptor mu 1; plus strand). Cytogenetic location: 6q25.2.
Variant type: single nucleotide variant.
Coding change: c.575G>T on transcript NM_000914.5 (MANE Select); coding-DNA position 575, G replaced by T.
Protein change: p.Cys192Phe; replaces cysteine 192 with phenylalanine.
Molecular consequence: missense variant. On other transcripts: non-coding transcript variant (3), intron variant (1).
Genome position (GRCh38, 1-based): chr6:154,090,110, G>T. VCF-style: chr6-154090110-G-T. GRCh37 (hg19) VCF-style: chr6-154411245-G-T.
Other names: c.275G>T, p.Cys92Phe (NM_001285528.2, NM_001145280.4, NM_001145287.3 and 2 more transcripts); c.291-28573G>T (NM_001285522.1); c.575G>T, p.Cys192Phe (NM_001008503.3, NM_001008504.4, NM_001008505.2 and 6 more transcripts); c.854G>T, p.Cys285Phe (NM_001145279.4, NM_001285524.1); c.332G>T, p.Cys111Phe (NM_001145281.3); short protein forms C111F, C192F, C92F, C285F.
Identifiers: ClinVar variation 828413 (VCV000828413.26), dbSNP rs62638690, ClinGen allele CA4061489.